The following is an entry in ClinVar:

NM_020297.4(ABCC9):c.511G>A (p.Gly171Ser)

Gene: ABCC9 (ATP binding cassette subfamily C member 9; minus strand). Cytogenetic location: 12p12.1.
Variant type: single nucleotide variant.
Coding change: c.511G>A on transcript NM_020297.4 (MANE Select); coding-DNA position 511, G replaced by A.
Protein change: p.Gly171Ser; replaces glycine 171 with serine.
Molecular consequence: missense variant. On other transcripts: intron variant (1).
Genome position (GRCh38, 1-based): chr12:21,916,999, C>T on the plus strand (G>A on the coding strand, the complement: ABCC9 is on the minus strand). VCF-style: chr12-21916999-C-T. GRCh37 (hg19) VCF-style: chr12-22069933-C-T.
Other names: c.511G>A, p.Gly171Ser (NM_001377273.1, NM_005691.4); c.-48-3933G>A (NM_001377274.1); short protein forms G171S.
Identifiers: ClinVar variation 1745464 (VCV001745464.2), dbSNP rs748393474, ClinGen allele CA6481854.
Genomic context (GRCh38, chr12:21,916,999, plus strand): 5'-TGACTCGAATGACATTGATCTCCACAGCCATCAAGAGCCCATTCAAGATGACCATCATGC[C>T]TGTGATGCAGAAACGCAGGTTTGATATGTCCAAGCCAGACTGACAGTACTTAACCAATTT-3'
Protein context (NP_064693.2, residues 161-181): DISNLRFCIT[Gly171Ser]MMVILNGLLM

ClinVar aggregate classification (germline): Uncertain significance (1 of 4 stars; one submission).

Conditions:
Cardiovascular phenotype. Identifiers: MedGen CN230736.

Allele frequency attached by ClinVar (database versions not stated): ExAC 0.00001.

Submission:

Ambry Genetics
Classification: Uncertain significance for Cardiovascular phenotype. Last evaluated: 2020-03-02. Review status: criteria provided, single submitter. Criteria: Ambry Variant Classification Scheme 2023. Collection method: clinical testing. Allele origin: germline.
Comment: The p.G171S variant (also known as c.511G>A), located in coding exon 4 of the ABCC9 gene, results from a G to A substitution at nucleotide position 511. The glycine at codon 171 is replaced by serine, an amino acid with similar properties. This amino acid position is well conserved in available vertebrate species. In addition, the in silico prediction for this alteration is inconclusive. Since supporting evidence is limited at this time, the clinical significance of this alteration remains unclear.